The following is an entry in ClinVar:

NM_022489.4(INF2):c.1321C>T (p.Pro441Ser)

Gene: INF2 (inverted formin 2; plus strand). Cytogenetic location: 14q32.33.
Variant type: single nucleotide variant.
Coding change: c.1321C>T on transcript NM_022489.4 (MANE Select); coding-DNA position 1321, C replaced by T.
Protein change: p.Pro441Ser; replaces proline 441 with serine.
Molecular consequence: missense variant. On other transcripts: non-coding transcript variant (1).
Genome position (GRCh38, 1-based): chr14:104,707,588, C>T. VCF-style: chr14-104707588-C-T. GRCh37 (hg19) VCF-style: chr14-105173925-C-T.
Other names: c.1321C>T, p.Pro441Ser (NM_001031714.4, NM_001426862.1, NM_001426863.1 and 2 more transcripts); short protein forms P441S.
Identifiers: ClinVar variation 3576444 (VCV003576444.3).

ClinVar aggregate classification (germline): Uncertain significance. Review status: criteria provided, multiple submitters, no conflicts (2 of 4 stars). 2 submissions from 2 submitters: Uncertain significance (2). Last evaluated 2024-06-20.

Conditions:
Focal segmental glomerulosclerosis 5 (FSGS5). Identifiers: Orphanet 656, MedGen C2750475, MONDO:0013191, OMIM 613237.
Charcot-Marie-Tooth disease dominant intermediate E. Also called: CHARCOT-MARIE-TOOTH NEUROPATHY WITH FOCAL SEGMENTAL GLOMERULONEPHRITIS. Identifiers: Orphanet 93114, MedGen C4302667, MONDO:0013758, OMIM 614455.

gnomAD v4.1: 1 of 1,059,698 alleles (0.000094%); highest among the groups gnomAD compares: Non-Finnish European, 0.00013%; no homozygotes.

Submissions (2):

Fulgent Genetics
Classification: Uncertain significance for Focal segmental glomerulosclerosis 5; Charcot-Marie-Tooth disease dominant intermediate E. Last evaluated: 2024-06-20. Review status: criteria provided, single submitter. Criteria: ACMG Guidelines, 2015. Collection method: clinical testing. Allele origin: germline.

Labcorp Genetics (formerly Invitae), Labcorp
Classification: Uncertain significance for Charcot-Marie-Tooth disease dominant intermediate E; Focal segmental glomerulosclerosis 5. Last evaluated: 2024-05-18. Review status: criteria provided, single submitter. Criteria: Invitae Variant Classification Sherloc (09022015). Collection method: clinical testing. Allele origin: germline.
Comment: This sequence change replaces proline, which is neutral and non-polar, with serine, which is neutral and polar, at codon 441 of the INF2 protein (p.Pro441Ser). This variant is not present in population databases (gnomAD no frequency). This variant has not been reported in the literature in individuals affected with INF2-related conditions. Advanced modeling of protein sequence and biophysical properties (such as structural, functional, and spatial information, amino acid conservation, physicochemical variation, residue mobility, and thermodynamic stability) performed at Invitae indicates that this missense variant is not expected to disrupt INF2 protein function with a negative predictive value of 95%. In summary, the available evidence is currently insufficient to determine the role of this variant in disease. Therefore, it has been classified as a Variant of Uncertain Significance.